The following is an entry in ClinVar:

ClinVar aggregate classification (germline): Likely benign (0 of 4 stars; one submission).

Conditions:
REV3L-related disorder. Also called: REV3L-related condition.

Submission:

PreventionGenetics, part of Exact Sciences
Classification: Likely benign for REV3L-related condition. Last evaluated: 2020-01-15. Review status: no assertion criteria provided. Collection method: clinical testing. Allele origin: germline.
Comment: This variant is classified as likely benign based on ACMG/AMP sequence variant interpretation guidelines (Richards et al. 2015 PMID: 25741868, with internal and published modifications).

NM_001372078.1(REV3L):c.405-10dup

Gene: REV3L (REV3 like, DNA directed polymerase zeta catalytic subunit; minus strand). Cytogenetic location: 6q21.
Variant type: Duplication.
Coding change: c.405-10dup on transcript NM_001372078.1 (MANE Select); 10 bases into the intron before coding-DNA position 405, one base duplicated (T; older notation c.405-10dupT).
Molecular consequence: intron variant.
Genome position (GRCh38, 1-based): chr6:111,405,640, A duplicated on the plus strand (T on the coding strand, the reverse complement: REV3L is on the minus strand); the first of 9 consecutive A bases (chr6:111,405,640-111,405,648); duplicating any one gives the same sequence. VCF-style (leftmost placement, unchanged base first): chr6-111405639-G-GA. GRCh37 (hg19) VCF-style: chr6-111726842-G-GA.
Other names: c.405-10dup (NM_002912.5); c.171-10dup (NM_001286432.2, NM_001286431.2).
Identifiers: ClinVar variation 3050843 (VCV003050843.2), dbSNP rs199861531, ClinGen allele CA3962841.